The following is an entry in ClinVar:

NM_001288705.3(CSF1R):c.1682_1683insAA (p.Tyr561Ter)

Gene: CSF1R (colony stimulating factor 1 receptor; minus strand). Cytogenetic location: 5q32.
Variant type: Insertion.
Coding change: c.1682_1683insAA on transcript NM_001288705.3 (MANE Select); coding-DNA positions 1682 to 1683, AA inserted.
Protein change: p.Tyr561Ter; replaces tyrosine 561 with a stop codon.
Molecular consequence: nonsense. On other transcripts: non-coding transcript variant (2).
Genome position: GRCh38 VCF-style: chr5-150061793-A-ATT. GRCh37 (hg19) VCF-style: chr5-149441356-A-ATT.
Other names: c.1682_1683insAA, p.Tyr561Ter (NM_001349736.2, NM_001375320.1, NM_005211.4); c.1238_1239insAA, p.Tyr413Ter (NM_001375321.1); short protein forms Y413*, Y561*.
Identifiers: ClinVar variation 3026935 (VCV003026935.22), dbSNP rs2480978777, ClinGen allele CA2740094141.

ClinVar aggregate classification (germline): Pathogenic (1 of 4 stars; one submission).

Submission:

CeGaT Center for Human Genetics Tuebingen
Classification: Pathogenic. Last evaluated: 2024-01-01. Review status: criteria provided, single submitter. Criteria: CeGaT Center For Human Genetics Tuebingen Variant Classification Criteria Version 2. Collection method: clinical testing. Allele origin: germline. Affected: yes. Observed: 1 variant allele.
Comment: CSF1R: PVS1, PM2